The following is an entry in ClinVar:

ClinVar aggregate classification (germline): Uncertain significance (1 of 4 stars; one submission).

Conditions:
Primary ciliary dyskinesia. Also called: Ciliary dyskinesia. Identifiers: Orphanet 244, MedGen C0008780, MONDO:0016575, HP:0012265.

Allele frequency attached by ClinVar (database versions not stated): TOPMed 0.00001.
gnomAD v4.1: 7 of 1,611,674 alleles (0.00043%); highest among the groups gnomAD compares: Admixed American, 0.0017%; no homozygotes.

Submission:

Labcorp Genetics (formerly Invitae), Labcorp
Classification: Uncertain significance for Primary ciliary dyskinesia. Last evaluated: 2021-12-03. Review status: criteria provided, single submitter. Criteria: Invitae Variant Classification Sherloc (09022015). Collection method: clinical testing. Allele origin: germline.
Comment: This sequence change replaces lysine, which is basic and polar, with asparagine, which is neutral and polar, at codon 1110 of the DNAH11 protein (p.Lys1110Asn). This variant is not present in population databases (gnomAD no frequency). This variant has not been reported in the literature in individuals affected with DNAH11-related conditions. Advanced modeling of protein sequence and biophysical properties (such as structural, functional, and spatial information, amino acid conservation, physicochemical variation, residue mobility, and thermodynamic stability) performed at Invitae indicates that this missense variant is not expected to disrupt DNAH11 protein function. In summary, the available evidence is currently insufficient to determine the role of this variant in disease. Therefore, it has been classified as a Variant of Uncertain Significance.

NM_001277115.2(DNAH11):c.3330G>T (p.Lys1110Asn)

Genes: DNAH11 (dynein axonemal heavy chain 11; plus strand), LOC126859961 (BRD4-independent group 4 enhancer GRCh37_chr7:21639662-21640861; plus strand). Cytogenetic location: 7p15.3.
Variant type: single nucleotide variant.
Coding change: c.3330G>T on transcript NM_001277115.2 (MANE Select); coding-DNA position 3330, G replaced by T.
Protein change: p.Lys1110Asn; replaces lysine 1110 with asparagine.
Molecular consequence: missense variant.
Genome position (GRCh38, 1-based): chr7:21,601,084, G>T. VCF-style: chr7-21601084-G-T. GRCh37 (hg19) VCF-style: chr7-21640702-G-T.
Other names: short protein forms K1110N.
Identifiers: ClinVar variation 1376464 (VCV001376464.5), dbSNP rs1285979781, ClinGen allele CA366946203.